The following is an entry in ClinVar:

NM_021942.6(TRAPPC11):c.2786C>G (p.Ser929Cys)

Gene: TRAPPC11 (trafficking protein particle complex subunit 11; plus strand). Cytogenetic location: 4q35.1.
Variant type: single nucleotide variant.
Coding change: c.2786C>G on transcript NM_021942.6 (MANE Select); coding-DNA position 2786, C replaced by G.
Protein change: p.Ser929Cys; replaces serine 929 with cysteine.
Molecular consequence: missense variant.
Genome position (GRCh38, 1-based): chr4:183,697,770, C>G. VCF-style: chr4-183697770-C-G. GRCh37 (hg19) VCF-style: chr4-184618923-C-G.
Other names: c.2786C>G, p.Ser929Cys (NM_199053.3); c.2786C>G (NM_021942.5); short protein forms S929C.
Identifiers: ClinVar variation 1020813 (VCV001020813.8), dbSNP rs1275717721, ClinGen allele CA358873301.

ClinVar aggregate classification (germline): Uncertain significance. Review status: criteria provided, multiple submitters, no conflicts (2 of 4 stars). 2 submissions from 2 submitters: Uncertain significance (2). Last evaluated 2023-06-13.

Conditions:
Autosomal recessive limb-girdle muscular dystrophy type R18 (LGMDR18). Also called: MUSCULAR DYSTROPHY, LIMB-GIRDLE, AUTOSOMAL RECESSIVE 18; Autosomal recessive limb-girdle muscular dystrophy type 2S; Limb-girdle muscular dystrophy, type 2S. Identifiers: Orphanet 369840, MedGen C4517996, MONDO:0014144, OMIM 615356.

Allele frequency attached by ClinVar (database versions not stated): gnomAD exomes 0.00001; TOPMed 0.00001; gnomAD 0.00002.
gnomAD v4.1: 9 of 1,613,936 alleles (0.00056%); highest among the groups gnomAD compares: Non-Finnish European, 0.00076%; no homozygotes.

Submissions (2):

Revvity Omics, Revvity
Classification: Uncertain significance for Autosomal recessive limb-girdle muscular dystrophy type R18. Last evaluated: 2023-06-13. Review status: criteria provided, single submitter. Criteria: ACMG Guidelines, 2015. Collection method: clinical testing. Allele origin: germline.

Labcorp Genetics (formerly Invitae), Labcorp
Classification: Uncertain significance for Autosomal recessive limb-girdle muscular dystrophy type R18. Last evaluated: 2021-12-02. Review status: criteria provided, single submitter. Criteria: Invitae Variant Classification Sherloc (09022015). Collection method: clinical testing. Allele origin: germline.
Comment: This sequence change replaces serine, which is neutral and polar, with cysteine, which is neutral and slightly polar, at codon 929 of the TRAPPC11 protein (p.Ser929Cys). This variant is not present in population databases (gnomAD no frequency). This variant has not been reported in the literature in individuals affected with TRAPPC11-related conditions. ClinVar contains an entry for this variant (Variation ID: 1020813). Algorithms developed to predict the effect of missense changes on protein structure and function are either unavailable or do not agree on the potential impact of this missense change (SIFT: "Deleterious"; PolyPhen-2: "Possibly Damaging"; Align-GVGD: "Class C15"). In summary, the available evidence is currently insufficient to determine the role of this variant in disease. Therefore, it has been classified as a Variant of Uncertain Significance.